The following is an entry in ClinVar:

NM_002495.4(NDUFS4):c.376C>T (p.Leu126=)

Gene: NDUFS4 (NADH:ubiquinone oxidoreductase subunit S4; plus strand). Cytogenetic location: 5q11.2.
Variant type: single nucleotide variant.
Coding change: c.376C>T on transcript NM_002495.4 (MANE Select); coding-DNA position 376, C replaced by T.
Protein change: p.Leu126=; no amino-acid change (leucine 126 retained).
Molecular consequence: synonymous variant. On other transcripts: non-coding transcript variant (3), intron variant (1).
Genome position (GRCh38, 1-based): chr5:53,658,576, C>T. VCF-style: chr5-53658576-C-T. GRCh37 (hg19) VCF-style: chr5-52954406-C-T.
Other names: c.350+12171C>T (NM_001318051.2).
Identifiers: ClinVar variation 214811 (VCV000214811.5), dbSNP rs372938532, ClinGen allele CA321285.

ClinVar aggregate classification (germline): Benign/Likely benign. Review status: criteria provided, multiple submitters, no conflicts (2 of 4 stars). 3 submissions from 3 submitters: Benign (1); Likely benign (2). Last evaluated 2025-01-27.

Allele frequency attached by ClinVar (database versions not stated): gnomAD 0.00001 and 0.00002; ExAC 0.00002; TOPMed 0.00002; ESP Exome Variant Server 0.00008.
gnomAD v4.1: 32 of 1,613,232 alleles (0.002%); highest among the groups gnomAD compares: African/African-American, 0.0027%; no homozygotes.

Submissions (3):

Labcorp Genetics (formerly Invitae), Labcorp
Classification: Likely benign. Last evaluated: 2025-01-27. Review status: criteria provided, single submitter. Criteria: Invitae Variant Classification Sherloc (09022015). Collection method: clinical testing. Allele origin: germline.

Blueprint Genetics
Classification: Likely benign. Last evaluated: 2024-02-13. Review status: criteria provided, single submitter. Criteria: ACMG Guidelines, 2015. Collection method: clinical testing. Allele origin: germline.

GeneDx
Classification: Benign. Last evaluated: 2014-07-07. Review status: criteria provided, single submitter. Criteria: GeneDx Variant Classification (06012015). Collection method: clinical testing. Allele origin: germline. Affected: yes.
Comment: This variant is considered likely benign or benign based on one or more of the following criteria: it is a conservative change, it occurs at a poorly conserved position in the protein, it is predicted to be benign by multiple in silico algorithms, and/or has population frequency not consistent with disease.